The following is an entry in ClinVar:

NM_031935.3(HMCN1):c.15212T>G (p.Ile5071Arg)

Gene: HMCN1 (hemicentin 1; plus strand). Cytogenetic location: 1q31.1.
Variant type: single nucleotide variant.
Coding change: c.15212T>G on transcript NM_031935.3 (MANE Select); coding-DNA position 15212, T replaced by G.
Protein change: p.Ile5071Arg; replaces isoleucine 5071 with arginine.
Molecular consequence: missense variant.
Genome position (GRCh38, 1-based): chr1:186,153,943, T>G. VCF-style: chr1-186153943-T-G. GRCh37 (hg19) VCF-style: chr1-186123075-T-G.
Other names: c.15212T>G (NM_031935.2); short protein forms I5071R.
Identifiers: ClinVar variation 1413259 (VCV001413259.30), dbSNP rs150734874, ClinGen allele CA1295172.
Genomic context (GRCh38, chr1:186,153,943, plus strand): 5'-GAATGCCTTTCTTGGTTGAAACACTTCATGCATCCTCTGTGGAATCTGACTATAACCAGA[T>G]AGAAGAGACACTGGGTTTTAAAATTCATGCTTCAATATCCAAAGGTAATTTGATAAAAGA-3'
Protein context (NP_114141.2, residues 5061-5081): ASSVESDYNQ[Ile5071Arg]EETLGFKIHA

ClinVar aggregate classification (germline): Benign/Likely benign. Review status: criteria provided, multiple submitters, no conflicts (2 of 4 stars). 4 submissions from 4 submitters: Benign (1); Likely benign (2). 1 of the submissions does not count toward it. Last evaluated 2026-01-11.

Conditions:
HMCN1-related disorder. Also called: HMCN1-related condition.
Age related macular degeneration 1 (ARMD1). Also called: MACULOPATHY, AGE-RELATED, 1. Identifiers: MedGen C1864205, MONDO:0011285, OMIM 603075.

Allele frequency attached by ClinVar (database versions not stated): gnomAD exomes 0.00020; ExAC 0.00021; gnomAD 0.00052 and 0.00056; ESP Exome Variant Server 0.00054; 1000 Genomes Project 30x 0.00078; 1000 Genomes Project 0.00080.
gnomAD v4.1: 208 of 1,614,032 alleles (0.013%); highest among the groups gnomAD compares: African/African-American, 0.16%; no homozygotes.

Submissions (4):

Labcorp Genetics (formerly Invitae), Labcorp
Classification: Likely benign. Last evaluated: 2026-01-11. Review status: criteria provided, single submitter. Criteria: Invitae Variant Classification Sherloc (09022015). Collection method: clinical testing. Allele origin: germline.

Genome-Nilou Lab
Classification: Likely benign for Age related macular degeneration 1. Last evaluated: 2023-04-11. Review status: criteria provided, single submitter. Criteria: ACMG Guidelines, 2015. Collection method: clinical testing. Allele origin: germline. Affected: no.

CeGaT Center for Human Genetics Tuebingen
Classification: Benign. Last evaluated: 2023-04-01. Review status: criteria provided, single submitter. Criteria: CeGaT Center For Human Genetics Tuebingen Variant Classification Criteria Version 2. Collection method: clinical testing. Allele origin: germline. Affected: yes. Observed: 1 variant allele.
Comment: HMCN1: BP4, BS1, BS2

PreventionGenetics, part of Exact Sciences
Classification: Likely benign for HMCN1-related condition. Last evaluated: 2023-06-26. Review status: no assertion criteria provided. Collection method: clinical testing. Allele origin: germline. Not counted in ClinVar's aggregate classification.
Comment: This variant is classified as likely benign based on ACMG/AMP sequence variant interpretation guidelines (Richards et al. 2015 PMID: 25741868, with internal and published modifications).